The following is an entry in ClinVar:

NM_007194.4(CHEK2):c.1048C>G (p.Pro350Ala)

Gene: CHEK2 (checkpoint kinase 2; minus strand). Cytogenetic location: 22q12.1.
Variant type: single nucleotide variant.
Coding change: c.1048C>G on transcript NM_007194.4 (MANE Select); coding-DNA position 1048, C replaced by G.
Protein change: p.Pro350Ala; replaces proline 350 with alanine.
Molecular consequence: missense variant. On other transcripts: intron variant (3).
Genome position (GRCh38, 1-based): chr22:28,696,948, G>C on the plus strand (C>G on the coding strand, the complement: CHEK2 is on the minus strand). VCF-style: chr22-28696948-G-C. GRCh37 (hg19) VCF-style: chr22-29092936-G-C.
Other names: c.1177C>G, p.Pro393Ala (NM_001005735.3); c.385C>G, p.Pro129Ala (NM_001257387.3, NM_001437942.1); c.847C>G, p.Pro283Ala (NM_001349956.3); c.1141C>G, p.Pro381Ala (NM_001438293.1); c.1009-1075C>G (NM_145862.3); c.1102-1075C>G (NM_001438295.1); c.1138-1075C>G (NM_001438294.1); short protein forms P350A, P283A, P393A, P129A, P381A.
Identifiers: ClinVar variation 231857 (VCV000231857.11), dbSNP rs876659406, ClinGen allele CA10581057.

ClinVar aggregate classification (germline): Uncertain significance. Review status: criteria provided, multiple submitters, no conflicts (2 of 4 stars). 4 submissions from 4 submitters: Uncertain significance (4). Last evaluated 2023-12-05.

Conditions:
Familial cancer of breast. Also called: BREAST CANCER, FAMILIAL; hereditary breast carcinoma; Hereditary breast cancer. Identifiers: Orphanet 227535, MedGen C0346153, MONDO:0016419, OMIM 114480. Disease mechanism: loss of function.
Hereditary cancer-predisposing syndrome. Also called: Neoplastic Syndromes, Hereditary; Tumor predisposition; Hereditary Cancer Syndrome; Hereditary neoplastic syndrome. Identifiers: Orphanet 140162, MedGen C0027672, MeSH D009386, MONDO:0015356.

Submissions (4):

Color Diagnostics, LLC DBA Color Health
Classification: Uncertain significance for Hereditary cancer-predisposing syndrome. Last evaluated: 2023-12-05. Review status: criteria provided, single submitter. Criteria: ACMG Guidelines, 2015. Collection method: clinical testing. Allele origin: germline.
Comment: This missense variant replaces proline with alanine at codon 350 of the CHEK2 protein. Computational prediction is inconclusive regarding the impact of this variant on protein structure and function (internally defined REVEL score threshold 0.5 < inconclusive < 0.7, PMID: 27666373). To our knowledge, functional studies have not been reported for this variant. This variant has not been reported in individuals affected with CHEK2-related disorders in the literature. This variant has not been identified in the general population by the Genome Aggregation Database (gnomAD). The available evidence is insufficient to determine the role of this variant in disease conclusively. Therefore, this variant is classified as a Variant of Uncertain Significance.

Labcorp Genetics (formerly Invitae), Labcorp
Classification: Uncertain significance for Familial cancer of breast. Last evaluated: 2023-06-30. Review status: criteria provided, single submitter. Criteria: Invitae Variant Classification Sherloc (09022015). Collection method: clinical testing. Allele origin: germline.
Comment: This variant is not present in population databases (gnomAD no frequency). In summary, the available evidence is currently insufficient to determine the role of this variant in disease. Therefore, it has been classified as a Variant of Uncertain Significance. An algorithm developed to predict the effect of missense changes on protein structure and function (PolyPhen-2) suggests that this variant is likely to be disruptive. ClinVar contains an entry for this variant (Variation ID: 231857). This variant has not been reported in the literature in individuals affected with CHEK2-related conditions. This sequence change replaces proline, which is neutral and non-polar, with alanine, which is neutral and non-polar, at codon 350 of the CHEK2 protein (p.Pro350Ala).

Quest Diagnostics Nichols Institute San Juan Capistrano
Classification: Uncertain significance. Last evaluated: 2020-08-03. Review status: criteria provided, single submitter. Criteria: Quest Diagnostics criteria. Collection method: clinical testing. Allele origin: unknown.

Ambry Genetics
Classification: Uncertain significance for Hereditary cancer-predisposing syndrome. Last evaluated: 2019-08-05. Review status: criteria provided, single submitter. Criteria: Ambry Variant Classification Scheme 2023. Collection method: clinical testing. Allele origin: germline.
Comment: The p.P350A variant (also known as c.1048C>G), located in coding exon 9 of the CHEK2 gene, results from a C to G substitution at nucleotide position 1048. The proline at codon 350 is replaced by alanine, an amino acid with highly similar properties. This amino acid position is highly conserved in available vertebrate species. In addition, this alteration is predicted to be deleterious by in silico analysis. Since supporting evidence is limited at this time, the clinical significance of this alteration remains unclear.